The following is an entry in ClinVar:

NM_000751.3(CHRND):c.1107del (p.Ser370fs)

Gene: CHRND (cholinergic receptor nicotinic delta subunit; plus strand). Cytogenetic location: 2q37.1.
Variant type: Deletion.
Coding change: c.1107del on transcript NM_000751.3 (MANE Select); coding-DNA position 1107, one base deleted (C; older notation c.1107delC).
Protein change: p.Ser370fs; shifts the reading frame from serine 370.
Molecular consequence: frameshift variant.
Genome position (GRCh38, 1-based): chr2:232,533,990, C deleted; the last of 3 consecutive C bases (chr2:232,533,988-232,533,990); deleting any one gives the same sequence. VCF-style (leftmost placement, unchanged base first): chr2-232533987-AC-A. GRCh37 (hg19) VCF-style: chr2-233398697-AC-A.
Other names: c.1062del, p.Ser355fs (NM_001256657.2); c.525del, p.Ser176fs (NM_001311195.2); c.804del, p.Ser269fs (NM_001311196.2); short protein forms S269fs, S370fs, S176fs, S355fs.
Identifiers: ClinVar variation 2162991 (VCV002162991.4), dbSNP rs1223709952, ClinGen allele CA540309812.

ClinVar aggregate classification (germline): Pathogenic/Likely pathogenic. Review status: criteria provided, multiple submitters, no conflicts (2 of 4 stars). 2 submissions from 2 submitters: Pathogenic (1); Likely pathogenic (1). Last evaluated 2022-02-28.

Conditions:
Congenital myasthenic syndrome 3B (CMS3B). Also called: Myasthenic syndrome, congenital, 3B, fast-channel. Identifiers: Orphanet 590, MedGen C4225371, MONDO:0014584, OMIM 616322.
Lethal multiple pterygium syndrome (LMPS). Identifiers: Orphanet 33108, MedGen C1854678, MONDO:0009668, OMIM 253290.

Submissions (2):

Labcorp Genetics (formerly Invitae), Labcorp
Classification: Pathogenic for Lethal multiple pterygium syndrome. Last evaluated: 2022-02-28. Review status: criteria provided, single submitter. Criteria: Invitae Variant Classification Sherloc (09022015). Collection method: clinical testing. Allele origin: germline.
Comment: This variant has not been reported in the literature in individuals affected with CHRND-related conditions. This variant is present in population databases (no rsID available, gnomAD 0.003%). This sequence change creates a premature translational stop signal (p.Ser370Alafs*66) in the CHRND gene. It is expected to result in an absent or disrupted protein product. Loss-of-function variants in CHRND are known to be pathogenic (PMID: 11435464, 25264167). For these reasons, this variant has been classified as Pathogenic.

Neuberg Centre For Genomic Medicine, NCGM
Classification: Likely pathogenic for Congenital myasthenic syndrome 3B. Review status: criteria provided, single submitter. Criteria: ACMG Guidelines, 2015. Collection method: clinical testing. Allele origin: germline. Inheritance: Autosomal recessive inheritance. Affected: yes.
Comment: The frameshift deletion c.1107del (p.Ser370AlafsTer66) in CHRND gene has not been reported previously as a pathogenic variant nor as a benign variant, to our knowledge. The p.Ser370AlafsTer66 variant has allele frequency 0.0004% in gnomAD exomes and is novel (not in any individuals) in 1000 Genomes. This variant has not been reported to the ClinVar database. This variant is predicted to cause loss of normal protein function through protein truncation caused a frameshift mutation. Loss of function variants have been previously reported to be disease causing. For these reasons, this variant has been classified as Likely Pathogenic. In the absence of another reportable variant , the molecular diagnosis is not confirmed.

Literature cited by the submitters: PubMed 11435464 (cited by Labcorp Genetics (formerly Invitae), Labcorp); PubMed 25264167 (cited by Labcorp Genetics (formerly Invitae), Labcorp).